The following is an entry in ClinVar:

ClinVar aggregate classification (germline): Uncertain significance (1 of 4 stars; one submission).

Submission:

GeneDx
Classification: Uncertain significance. Last evaluated: 2026-04-14. Review status: criteria provided, single submitter. Criteria: GeneDx Variant Classification Process June 2021. Collection method: clinical testing. Allele origin: germline.
Comment: Not observed at significant frequency in large population cohorts (gnomAD); In silico analysis suggests that this variant does not alter splicing; Has not been previously published as pathogenic or benign to our knowledge; Reported using an alternate transcript of the gene

NM_013450.4(BAZ2B):c.5660+98G>C

Gene: BAZ2B (bromodomain adjacent to zinc finger domain 2B; minus strand). Cytogenetic location: 2q24.2.
Variant type: single nucleotide variant.
Coding change: c.5660+98G>C on transcript NM_013450.4 (MANE Select); 98 bases into the intron after coding-DNA position 5660, G replaced by C.
Molecular consequence: intron variant. On other transcripts: missense variant (1).
Genome position (GRCh38, 1-based): chr2:159,337,469, C>G on the plus strand (G>C on the coding strand, the complement: BAZ2B is on the minus strand). VCF-style: chr2-159337469-C-G. GRCh37 (hg19) VCF-style: chr2-160193980-C-G.
Other names: c.5596G>C, p.Gly1866Arg (NM_001329857.2); c.5552+98G>C (NM_001289975.1); c.5585+98G>C (NM_001329858.2); short protein forms G1866R.
Identifiers: ClinVar variation 5036983 (VCV005036983.1).
Genomic context (GRCh38, chr2:159,337,469, plus strand): 5'-CTCCAATTAGCAAAGAAGCACAATAATTTTTCAAGTTAATCTCAATAACCTACCCGTCAC[C>G]ATCACCACTAACGGATGGTGCAGGAGCAGGGACAGTAACTGTGCCCACATTATCCAGTTT-3'